The following is an entry in ClinVar:

ClinVar aggregate classification (germline): Uncertain significance (1 of 4 stars; one submission).

Conditions:
Catecholaminergic polymorphic ventricular tachycardia 1. Also called: RYR2-Related Catecholaminergic Polymorphic Ventricular Tachycardia; VENTRICULAR TACHYCARDIA, STRESS-INDUCED POLYMORPHIC 1; VENTRICULAR TACHYCARDIA, CATECHOLAMINERGIC POLYMORPHIC, 1, WITH OR WITHOUT ATRIAL DYSFUNCTION AND/OR DILATED CARDIOMYOPATHY. Identifiers: Orphanet 3286, MedGen C1631597, MONDO:0011484, OMIM 604772.

Allele frequency attached by ClinVar (database versions not stated): gnomAD exomes below 0.00001 and 0.00001; TOPMed below 0.00001; ExAC 0.00001; gnomAD 0.00001; ESP Exome Variant Server 0.00008; 1000 Genomes Project 30x 0.00016; 1000 Genomes Project 0.00020.
gnomAD v4.1: 5 of 1,611,602 alleles (0.00031%); highest among the groups gnomAD compares: South Asian, 0.0044%; no homozygotes.

Submission:

Labcorp Genetics (formerly Invitae), Labcorp
Classification: Uncertain significance for Catecholaminergic polymorphic ventricular tachycardia 1. Last evaluated: 2024-02-29. Review status: criteria provided, single submitter. Criteria: Invitae Variant Classification Sherloc (09022015). Collection method: clinical testing. Allele origin: germline.
Comment: This sequence change replaces proline, which is neutral and non-polar, with leucine, which is neutral and non-polar, at codon 2869 of the RYR2 protein (p.Pro2869Leu). This variant is present in population databases (rs374318917, gnomAD 0.006%). This variant has not been reported in the literature in individuals affected with RYR2-related conditions. ClinVar contains an entry for this variant (Variation ID: 648943). Advanced modeling of protein sequence and biophysical properties (such as structural, functional, and spatial information, amino acid conservation, physicochemical variation, residue mobility, and thermodynamic stability) performed at Invitae indicates that this missense variant is expected to disrupt RYR2 protein function with a positive predictive value of 95%. In summary, the available evidence is currently insufficient to determine the role of this variant in disease. Therefore, it has been classified as a Variant of Uncertain Significance.

NM_001035.3(RYR2):c.8606C>T (p.Pro2869Leu)

Gene: RYR2 (ryanodine receptor 2; plus strand). Cytogenetic location: 1q43.
Variant type: single nucleotide variant.
Coding change: c.8606C>T on transcript NM_001035.3 (MANE Select); coding-DNA position 8606, C replaced by T.
Protein change: p.Pro2869Leu; replaces proline 2869 with leucine.
Molecular consequence: missense variant.
Genome position (GRCh38, 1-based): chr1:237,674,111, C>T. VCF-style: chr1-237674111-C-T. GRCh37 (hg19) VCF-style: chr1-237837411-C-T.
Other names: c.8606C>T, p.Pro2869Leu (LRG_402t1); short protein forms P2869L.
Identifiers: ClinVar variation 648943 (VCV000648943.12), dbSNP rs374318917, ClinGen allele CA087694.